The following is an entry in ClinVar:

ClinVar aggregate classification (germline): Uncertain significance (1 of 4 stars; one submission).

Conditions:
Hereditary cancer-predisposing syndrome. Also called: Neoplastic Syndromes, Hereditary; Tumor predisposition; Hereditary Cancer Syndrome; Hereditary neoplastic syndrome. Identifiers: Orphanet 140162, MedGen C0027672, MeSH D009386, MONDO:0015356.

Submission:

Ambry Genetics
Classification: Uncertain significance for Hereditary cancer-predisposing syndrome. Last evaluated: 2015-06-10. Review status: criteria provided, single submitter. Criteria: Ambry Variant Classification Scheme 2023. Collection method: clinical testing. Allele origin: germline.
Comment: The p.R265W variant (also known as c.793A>T), located in coding exon 6 of the BRIP1 gene, results from an A to T substitution at nucleotide position 793. The arginine at codon 265 is replaced by tryptophan, an amino acid with dissimilar properties. This variant was not reported in population based cohorts in the following databases: Database of Single Nucleotide Polymorphisms (dbSNP), NHLBI Exome Sequencing Project (ESP), and 1000 Genomes Project. In the ESP, this variant was not observed in 6503 samples (13006 alleles) with coverage at this position. To date, this alteration has been detected with an allele frequency of approximately 0.002% (greater than 65000 alleles tested) in our clinical cohort. This amino acid position is not well conserved in available vertebrate species. In addition, this alteration is predicted to be probably damaging and deleterious by PolyPhen and SIFT in silico analyses, respectively. Since supporting evidence is limited at this time, the clinical significance of p.R265W remains unclear.

NM_032043.3(BRIP1):c.793A>T (p.Arg265Trp)

Gene: BRIP1 (BRCA1 interacting DNA helicase 1; minus strand). Cytogenetic location: 17q23.2.
Variant type: single nucleotide variant.
Coding change: c.793A>T on transcript NM_032043.3 (MANE Select); coding-DNA position 793, A replaced by T.
Protein change: p.Arg265Trp; replaces arginine 265 with tryptophan.
Molecular consequence: missense variant.
Genome position (GRCh38, 1-based): chr17:61,808,592, T>A on the plus strand (A>T on the coding strand, the complement: BRIP1 is on the minus strand). VCF-style: chr17-61808592-T-A. GRCh37 (hg19) VCF-style: chr17-59885953-T-A.
Other names: short protein forms R265W.
Identifiers: ClinVar variation 232253 (VCV000232253.5), dbSNP rs876659650, ClinGen allele CA10580857.
Genomic context (GRCh38, chr17:61,808,592, plus strand): 5'-GGACACAAGTATGATCCCTGCTGGAAAGAATAGTCATTGGAACCCCTGAATATGCCGTCC[T>A]CCGGAGCTCTCTAGTAATCTGAGCAATCTGCTTGTGTGTGCGTGTCCCAAAATATATTTT-3'
Protein context (NP_114432.2, residues 255-275): QIAQITRELR[Arg265Trp]TAYSGVPMTI